The following is an entry in ClinVar:

NM_004525.3(LRP2):c.1827A>G (p.Leu609=)

Gene: LRP2 (LDL receptor related protein 2; minus strand). Cytogenetic location: 2q31.1.
Variant type: single nucleotide variant.
Coding change: c.1827A>G on transcript NM_004525.3 (MANE Select); coding-DNA position 1827, A replaced by G.
Protein change: p.Leu609=; no amino-acid change (leucine 609 retained).
Molecular consequence: synonymous variant.
Genome position (GRCh38, 1-based): chr2:169,275,184, T>C on the plus strand (A>G on the coding strand, the complement: LRP2 is on the minus strand). VCF-style: chr2-169275184-T-C. GRCh37 (hg19) VCF-style: chr2-170131694-T-C.
Other names: c.1827A>G (NM_004525.2).
Identifiers: ClinVar variation 1568034 (VCV001568034.12), dbSNP rs186137585, ClinGen allele CA1955456.

ClinVar aggregate classification (germline): Likely benign. Review status: criteria provided, multiple submitters, no conflicts (2 of 4 stars). 4 submissions from 4 submitters: Likely benign (3). 1 of the submissions does not count toward it. Last evaluated 2026-01-05.

Conditions:
Donnai-Barrow syndrome. Also called: DBS/FOAR SYNDROME; FACIOOCULOACOUSTICORENAL SYNDROME. Identifiers: Orphanet 2143, MedGen C1857277, MONDO:0009104, OMIM 222448.
LRP2-related disorder. Also called: LRP2-related condition.

Allele frequency attached by ClinVar (database versions not stated): ExAC 0.00001; gnomAD 0.00001; gnomAD exomes 0.00002 and 0.00003; TOPMed 0.00002; 1000 Genomes Project 30x 0.00016; 1000 Genomes Project 0.00020.
gnomAD v4.1: 11 of 1,613,806 alleles (0.00068%); highest among the groups gnomAD compares: Admixed American, 0.018%; no homozygotes.

Submissions (4):

Labcorp Genetics (formerly Invitae), Labcorp
Classification: Likely benign. Last evaluated: 2026-01-05. Review status: criteria provided, single submitter. Criteria: Invitae Variant Classification Sherloc (09022015). Collection method: clinical testing. Allele origin: germline.

Fulgent Genetics
Classification: Likely benign for Donnai-Barrow syndrome. Last evaluated: 2021-12-01. Review status: criteria provided, single submitter. Criteria: ACMG Guidelines, 2015. Collection method: clinical testing. Allele origin: unknown.

Blueprint Genetics
Classification: Likely benign. Last evaluated: 2018-09-12. Review status: criteria provided, single submitter. Criteria: ACMG Guidelines, 2015. Collection method: clinical testing. Allele origin: germline.

PreventionGenetics, part of Exact Sciences
Classification: Likely benign for LRP2-related condition. Last evaluated: 2019-10-25. Review status: no assertion criteria provided. Collection method: clinical testing. Allele origin: germline. Not counted in ClinVar's aggregate classification.
Comment: This variant is classified as likely benign based on ACMG/AMP sequence variant interpretation guidelines (Richards et al. 2015 PMID: 25741868, with internal and published modifications).